The following is an entry in ClinVar:

ClinVar aggregate classification (germline): Benign/Likely benign. Review status: criteria provided, multiple submitters, no conflicts (2 of 4 stars). 5 submissions from 5 submitters: Benign (3); Likely benign (2). Last evaluated 2026-02-04.

Conditions:
Immunodeficiency 104. Also called: IMMUNODEFICIENCY 104, SEVERE COMBINED; Severe combined immunodeficiency, autosomal recessive, T cell-negative, B cell-positive, NK cell-positive; SCID, AUTOSOMAL RECESSIVE, T CELL-NEGATIVE, B CELL-POSITIVE, NK CELL-POSITIVE; Severe Combined Immune Deficiency, Autosomal Recessive, TCell -Negative, B Cell-Positive, NK Cell-Positive, IL7R-Related. Identifiers: MedGen C5676890, MONDO:0012163, OMIM 608971.
Immunodeficiency 105 (IMD105). Also called: Immunodeficiency 105, severe combined. Identifiers: MedGen C5677005, MONDO:0800104, OMIM 619924.

Allele frequency attached by ClinVar (database versions not stated): ESP Exome Variant Server 0.00669; gnomAD 0.01733 and 0.01980; gnomAD exomes 0.01814 and 0.04297; TOPMed 0.02767; ExAC 0.03931; 1000 Genomes Project 30x 0.05497; 1000 Genomes Project 0.05631.
gnomAD v4.1: 30,107 of 1,614,082 alleles (1.9%); highest among the groups gnomAD compares: East Asian, 20%; 1,595 homozygotes.

Submissions (5):

Labcorp Genetics (formerly Invitae), Labcorp
Classification: Benign for Immunodeficiency 104. Last evaluated: 2026-02-04. Review status: criteria provided, single submitter. Criteria: Invitae Variant Classification Sherloc (09022015). Collection method: clinical testing. Allele origin: germline.

ARUP Laboratories, Molecular Genetics and Genomics, ARUP Laboratories
Classification: Benign for Immunodeficiency 105. Last evaluated: 2023-11-08. Review status: criteria provided, single submitter. Criteria: ARUP Molecular Germline Variant Investigation Process 2024. Collection method: clinical testing. Allele origin: germline.

Women's Health and Genetics/Laboratory Corporation of America, LabCorp
Classification: Likely benign. Last evaluated: 2021-12-10. Review status: criteria provided, single submitter. Criteria: LabCorp Variant Classification Summary - May 2015. Collection method: clinical testing. Allele origin: germline.

GeneDx
Classification: Benign. Last evaluated: 2015-03-03. Review status: criteria provided, single submitter. Criteria: GeneDx Variant Classification Process June 2021. Collection method: clinical testing. Allele origin: germline. Affected: yes.
Comment: This variant is associated with the following publications: (PMID: 12716971, 16538473, 15333587)

Breakthrough Genomics
Classification: Likely benign. Review status: criteria provided, single submitter. Criteria: ACMG Guidelines, 2015. Collection method: not provided. Allele origin: germline. Inheritance: Autosomal recessive inheritance. Affected: yes.

NM_002838.5(PTPRC):c.577A>G (p.Thr193Ala)

Gene: PTPRC (protein tyrosine phosphatase receptor type C; plus strand). Cytogenetic location: 1q32.1.
Variant type: single nucleotide variant.
Coding change: c.577A>G on transcript NM_002838.5 (MANE Select); coding-DNA position 577, A replaced by G.
Protein change: p.Thr193Ala; replaces threonine 193 with alanine.
Molecular consequence: missense variant. On other transcripts: intron variant (1).
Genome position (GRCh38, 1-based): chr1:198,702,524, A>G. VCF-style: chr1-198702524-A-G. GRCh37 (hg19) VCF-style: chr1-198671653-A-G.
Other names: c.101-774A>G (NM_080921.4); short protein forms T193A.
Identifiers: ClinVar variation 464444 (VCV000464444.25), dbSNP rs4915154, ClinGen allele CA1314529.